The following is an entry in ClinVar:

ClinVar aggregate classification (germline): Uncertain significance (1 of 4 stars; one submission).

Allele frequency attached by ClinVar (database versions not stated): gnomAD exomes below 0.00001; TOPMed below 0.00001.
gnomAD v4.1: 1 of 1,598,360 alleles (0.000063%); highest among the groups gnomAD compares: Non-Finnish European, 0.000086%; no homozygotes.

Submission:

GeneDx
Classification: Uncertain significance. Last evaluated: 2023-03-22. Review status: criteria provided, single submitter. Criteria: GeneDx Variant Classification Process June 2021. Collection method: clinical testing. Allele origin: germline. Affected: yes.
Comment: Not observed at significant frequency in large population cohorts (gnomAD); In silico analysis supports that this variant does not alter splicing; Has not been previously published as pathogenic or benign to our knowledge

NM_006940.6(SOX5):c.270+4G>A

Gene: SOX5 (SRY-box transcription factor 5; minus strand). Cytogenetic location: 12p12.1.
Variant type: single nucleotide variant.
Coding change: c.270+4G>A on transcript NM_006940.6 (MANE Select); 4 bases into the intron after coding-DNA position 270, G replaced by A.
Molecular consequence: intron variant.
Genome position (GRCh38, 1-based): chr12:23,895,789, C>T on the plus strand (G>A on the coding strand, the complement: SOX5 is on the minus strand). VCF-style: chr12-23895789-C-T. GRCh37 (hg19) VCF-style: chr12-24048723-C-T.
Other names: c.231+4G>A (NM_152989.5, NM_001261414.3); c.240+4G>A (NM_001261415.3); c.165+109G>A (NM_001330785.2).
Identifiers: ClinVar variation 2580484 (VCV002580484.1), dbSNP rs2097171069, ClinGen allele CA2022271394.